The following is an entry in ClinVar:

ClinVar aggregate classification (germline): Uncertain significance (1 of 4 stars; one submission).

gnomAD v4.1: 1 of 1,614,152 alleles (0.000062%); highest among the groups gnomAD compares: Non-Finnish European, 0.000085%; no homozygotes.

Submission:

Ambry Genetics
Classification: Uncertain significance. Last evaluated: 2024-09-08. Review status: criteria provided, single submitter. Criteria: Ambry Variant Classification Scheme 2023. Collection method: clinical testing. Allele origin: germline.
Comment: The p.K1182R variant (also known as c.3545A>G), located in coding exon 31 of the KIF1B gene, results from an A to G substitution at nucleotide position 3545. The lysine at codon 1182 is replaced by arginine, an amino acid with highly similar properties. This amino acid position is conserved. In addition, this alteration is predicted to be tolerated by in silico analysis. Based on the available evidence, the clinical significance of this variant remains unclear.

NM_001365951.3(KIF1B):c.3683A>G (p.Lys1228Arg)

Gene: KIF1B (kinesin family member 1B; plus strand). Cytogenetic location: 1p36.22.
Variant type: single nucleotide variant.
Coding change: c.3683A>G on transcript NM_001365951.3 (MANE Select); coding-DNA position 3683, A replaced by G.
Protein change: p.Lys1228Arg; replaces lysine 1228 with arginine.
Molecular consequence: missense variant.
Genome position (GRCh38, 1-based): chr1:10,343,282, A>G. VCF-style: chr1-10343282-A-G. GRCh37 (hg19) VCF-style: chr1-10403340-A-G.
Other names: c.3683A>G, p.Lys1228Arg (NM_001365952.1); c.3545A>G, p.Lys1182Arg (NM_015074.3); short protein forms K1182R, K1228R.
Identifiers: ClinVar variation 3534007 (VCV003534007.1).